The following is an entry in ClinVar:

NM_015425.6(POLR1A):c.3505G>A (p.Asp1169Asn)

Gene: POLR1A (RNA polymerase I subunit A; minus strand). Cytogenetic location: 2p11.2.
Variant type: single nucleotide variant.
Coding change: c.3505G>A on transcript NM_015425.6 (MANE Select); coding-DNA position 3505, G replaced by A.
Protein change: p.Asp1169Asn; replaces aspartic acid 1169 with asparagine.
Molecular consequence: missense variant.
Genome position (GRCh38, 1-based): chr2:86,041,956, C>T on the plus strand (G>A on the coding strand, the complement: POLR1A is on the minus strand). VCF-style: chr2-86041956-C-T. GRCh37 (hg19) VCF-style: chr2-86269079-C-T.
Other names: short protein forms D1169N.
Identifiers: ClinVar variation 2823221 (VCV002823221.3), dbSNP rs779897004, ClinGen allele CA1745758.

ClinVar aggregate classification (germline): Uncertain significance (1 of 4 stars; one submission).

Allele frequency attached by ClinVar (database versions not stated): gnomAD exomes below 0.00001; ExAC 0.00001; gnomAD 0.00001.
gnomAD v4.1: 3 of 1,614,086 alleles (0.00019%); highest among the groups gnomAD compares: South Asian, 0.0033%; no homozygotes.

Submission:

Labcorp Genetics (formerly Invitae), Labcorp
Classification: Uncertain significance. Last evaluated: 2023-03-23. Review status: criteria provided, single submitter. Criteria: Invitae Variant Classification Sherloc (09022015). Collection method: clinical testing. Allele origin: germline.
Comment: This variant has not been reported in the literature in individuals affected with POLR1A-related conditions. This variant is present in population databases (rs779897004, gnomAD 0.003%). This sequence change replaces aspartic acid, which is acidic and polar, with asparagine, which is neutral and polar, at codon 1169 of the POLR1A protein (p.Asp1169Asn). Advanced modeling of protein sequence and biophysical properties (such as structural, functional, and spatial information, amino acid conservation, physicochemical variation, residue mobility, and thermodynamic stability) performed at Invitae indicates that this missense variant is not expected to disrupt POLR1A protein function. In summary, the available evidence is currently insufficient to determine the role of this variant in disease. Therefore, it has been classified as a Variant of Uncertain Significance.